The following is an entry in ClinVar:

NM_006005.3(WFS1):c.1495_1497del (p.Leu499del)

Gene: WFS1 (wolframin ER transmembrane glycoprotein; plus strand). Cytogenetic location: 4p16.1.
Variant type: Deletion.
Coding change: c.1495_1497del on transcript NM_006005.3 (MANE Select); coding-DNA positions 1495 to 1497, 3 bases deleted (CTC; older notation c.1495_1497delCTC).
Protein change: p.Leu499del; deletes leucine 499.
Molecular consequence: inframe deletion.
Genome position (GRCh38, 1-based): chr4:6,301,290-6,301,292, CTC deleted; deleting any 3 consecutive bases within chr4:6,301,288-6,301,292 gives the same sequence; the c. name uses the placement nearest the transcript's 3' end. VCF-style (leftmost placement, unchanged base first): chr4-6301287-GTCC-G. GRCh37 (hg19) VCF-style: chr4-6303014-GTCC-G.
Other names: c.1495_1497del, p.Leu499del (NM_001145853.1); short protein forms L499del.
Identifiers: ClinVar variation 1519699 (VCV001519699.8), dbSNP rs752122426, ClinGen allele CA2839376.
Genomic context (GRCh38, chr4:6,301,287, plus strand): 5'-TGGCCCTACCTGAAGGTCCTTGGCCAGACCTTCATCACCGTGCCTGTCGGCCACCTGGTC[GTCC>G]TCAACGTCAGCGTCCCGTGCCTGCTCTATGTCTACCTGCTCTATCTCTTCTTCCGCATGG-3'

ClinVar aggregate classification (germline): Uncertain significance. Review status: criteria provided, multiple submitters, no conflicts (2 of 4 stars). 3 submissions from 3 submitters: Uncertain significance (3). Last evaluated 2026-01-11.

Submissions (3):

Labcorp Genetics (formerly Invitae), Labcorp
Classification: Uncertain significance. Last evaluated: 2026-01-11. Review status: criteria provided, single submitter. Criteria: Invitae Variant Classification Sherloc (09022015). Collection method: clinical testing. Allele origin: germline.
Comment: This variant, c.1495_1497del, results in the deletion of 1 amino acid(s) of the WFS1 protein (p.Leu499del), but otherwise preserves the integrity of the reading frame. This variant is present in population databases (rs752122426, gnomAD 0.0009%). This variant has not been reported in the literature in individuals affected with WFS1-related conditions. ClinVar contains an entry for this variant (Variation ID: 1519699). Experimental studies and prediction algorithms are not available or were not evaluated, and the functional significance of this variant is currently unknown. In summary, the available evidence is currently insufficient to determine the role of this variant in disease. Therefore, it has been classified as a Variant of Uncertain Significance.

GeneDx
Classification: Uncertain significance. Last evaluated: 2025-06-11. Review status: criteria provided, single submitter. Criteria: GeneDx Variant Classification Process June 2021. Collection method: clinical testing. Allele origin: germline. Affected: yes.
Comment: Not observed at significant frequency in large population cohorts (gnomAD); In-frame deletion of 1 amino acid(s) in a non-repeat region; In silico analysis supports a deleterious effect on protein structure/function; Has not been previously published as pathogenic or benign to our knowledge

Blueprint Genetics
Classification: Uncertain significance. Last evaluated: 2019-11-13. Review status: criteria provided, single submitter. Criteria: ACMG Guidelines, 2015. Collection method: clinical testing. Allele origin: germline.